The following is an entry in ClinVar:

ClinVar aggregate classification (germline): Uncertain significance. Review status: criteria provided, multiple submitters, no conflicts (2 of 4 stars). 3 submissions from 3 submitters: Uncertain significance (3). Last evaluated 2022-10-13.

Conditions:
Spastic paraplegia. Identifiers: MedGen C0037772, HP:0001258.
Hereditary spastic paraplegia 35. Also called: SPASTIC PARAPLEGIA 35, AUTOSOMAL RECESSIVE, WITH OR WITHOUT NEURODEGENERATION; LEUKODYSTROPHY, DYSMYELINATING, AND SPASTIC PARAPARESIS WITH OR WITHOUT DYSTONIA; Spastic paraplegia 35, autosomal recessive; Spastic paraplegia 35. Identifiers: Orphanet 171629, MedGen C3496228, MONDO:0012866, OMIM 612319.

Allele frequency attached by ClinVar (database versions not stated): gnomAD exomes below 0.00001.

Submissions (3):

Labcorp Genetics (formerly Invitae), Labcorp
Classification: Uncertain significance for Spastic paraplegia. Last evaluated: 2022-10-13. Review status: criteria provided, single submitter. Criteria: Invitae Variant Classification Sherloc (09022015). Collection method: clinical testing. Allele origin: germline.
Comment: Algorithms developed to predict the effect of sequence changes on RNA splicing suggest that this variant may create or strengthen a splice site. In summary, the available evidence is currently insufficient to determine the role of this variant in disease. Therefore, it has been classified as a Variant of Uncertain Significance. Advanced modeling of protein sequence and biophysical properties (such as structural, functional, and spatial information, amino acid conservation, physicochemical variation, residue mobility, and thermodynamic stability) performed at Invitae indicates that this missense variant is expected to disrupt FA2H protein function. ClinVar contains an entry for this variant (Variation ID: 374759). This missense change has been observed in individual(s) with hereditary spastic paraplegia (PMID: 31135052). This variant is not present in population databases (gnomAD no frequency). This sequence change replaces histidine, which is basic and polar, with tyrosine, which is neutral and polar, at codon 69 of the FA2H protein (p.His69Tyr).

Mayo Clinic Laboratories, Mayo Clinic
Classification: Uncertain significance for Hereditary spastic paraplegia 35. Last evaluated: 2018-01-08. Review status: criteria provided, single submitter. Criteria: ACMG Guidelines, 2015. Collection method: clinical testing. Allele origin: paternal.

CeGaT Center for Human Genetics Tuebingen
Classification: Uncertain significance. Last evaluated: 2016-07-31. Review status: criteria provided, single submitter. Criteria: Praxis fuer Humangenetik Tuebingen - Variant Classification Criteria. Collection method: clinical testing. Allele origin: germline. Affected: yes. Observed: 2 variant alleles.

Literature cited by the submitters: PubMed 31135052 (cited by Labcorp Genetics (formerly Invitae), Labcorp).

NM_024306.5(FA2H):c.205C>T (p.His69Tyr)

Genes: FA2H (fatty acid 2-hydroxylase; minus strand), LOC130059394 (ATAC-STARR-seq lymphoblastoid silent region 7701; plus strand). Cytogenetic location: 16q23.1.
Variant type: single nucleotide variant.
Coding change: c.205C>T on transcript NM_024306.5 (MANE Select); coding-DNA position 205, C replaced by T.
Protein change: p.His69Tyr; replaces histidine 69 with tyrosine.
Molecular consequence: missense variant.
Genome position (GRCh38, 1-based): chr16:74,774,551, G>A on the plus strand (C>T on the coding strand, the complement: FA2H is on the minus strand). VCF-style: chr16-74774551-G-A. GRCh37 (hg19) VCF-style: chr16-74808449-G-A.
Other names: short protein forms H69Y.
Identifiers: ClinVar variation 374759 (VCV000374759.13), dbSNP rs1057519235, ClinGen allele CA16043885.